The following is an entry in ClinVar:

ClinVar aggregate classification (germline): Uncertain significance. Review status: criteria provided, multiple submitters, no conflicts (2 of 4 stars). 2 submissions from 2 submitters: Uncertain significance (2). Last evaluated 2026-01-13.

Conditions:
Hereditary cancer-predisposing syndrome. Also called: Neoplastic Syndromes, Hereditary; Tumor predisposition; Hereditary Cancer Syndrome; Hereditary neoplastic syndrome. Identifiers: Orphanet 140162, MedGen C0027672, MeSH D009386, MONDO:0015356.
Hereditary nonpolyposis colorectal neoplasms. Identifiers: MedGen C0009405, MeSH D003123.

Submissions (2):

Ambry Genetics
Classification: Uncertain significance for Hereditary cancer-predisposing syndrome. Last evaluated: 2026-01-13. Review status: criteria provided, single submitter. Criteria: Ambry Variant Classification Scheme 2023. Collection method: clinical testing. Allele origin: germline.
Comment: The p.W142R variant (also known as c.424T>A), located in coding exon 2 of the MSH6 gene, results from a T to A substitution at nucleotide position 424. The tryptophan at codon 142 is replaced by arginine, an amino acid with dissimilar properties. This amino acid position is conserved. In addition, this alteration is predicted to be deleterious by in silico analysis. Based on the available evidence, the clinical significance of this variant remains unclear.

Labcorp Genetics (formerly Invitae), Labcorp
Classification: Uncertain significance for Hereditary nonpolyposis colorectal neoplasms. Last evaluated: 2021-12-22. Review status: criteria provided, single submitter. Criteria: Invitae Variant Classification Sherloc (09022015). Collection method: clinical testing. Allele origin: germline.
Comment: This variant is not present in population databases (gnomAD no frequency). In summary, the available evidence is currently insufficient to determine the role of this variant in disease. Therefore, it has been classified as a Variant of Uncertain Significance. Algorithms developed to predict the effect of missense changes on protein structure and function (SIFT, PolyPhen-2, Align-GVGD) all suggest that this variant is likely to be disruptive. This variant has not been reported in the literature in individuals affected with MSH6-related conditions. This sequence change replaces tryptophan, which is neutral and slightly polar, with arginine, which is basic and polar, at codon 142 of the MSH6 protein (p.Trp142Arg).

NM_000179.3(MSH6):c.424T>A (p.Trp142Arg)

Gene: MSH6 (mutS homolog 6; plus strand). Cytogenetic location: 2p16.3.
Variant type: single nucleotide variant.
Coding change: c.424T>A on transcript NM_000179.3 (MANE Select); coding-DNA position 424, T replaced by A.
Protein change: p.Trp142Arg; replaces tryptophan 142 with arginine.
Molecular consequence: missense variant. On other transcripts: 5 prime UTR variant (2), intron variant (1).
Genome position (GRCh38, 1-based): chr2:47,791,090, T>A. VCF-style: chr2-47791090-T-A. GRCh37 (hg19) VCF-style: chr2-48018229-T-A.
Other names: c.-313T>A (NM_001281493.2, NM_001406811.1, NM_001406823.1 and 1 more transcripts); c.-479T>A (NM_001281494.2); c.520T>A, p.Trp174Arg (NM_001406795.1, NM_001406802.1); c.424T>A, p.Trp142Arg (NM_001406796.1, NM_001406798.1, NM_001406800.1 and 6 more transcripts); c.127T>A, p.Trp43Arg (NM_001406797.1, NM_001406801.1, NM_001406805.1 and 10 more transcripts); c.346T>A, p.Trp116Arg (NM_001406804.1); c.-505T>A (NM_001406807.1); c.-571T>A (NM_001406814.1); and 2 more; short protein forms W43R, W174R, W86R, W116R, W142R.
Identifiers: ClinVar variation 2053116 (VCV002053116.5), dbSNP rs2530439480, ClinGen allele CA346737140.